The following is an entry in ClinVar:

NM_002303.6(LEPR):c.2124A>C (p.Gln708His)

Genes: LEPR (leptin receptor; plus strand), LOC122094844 (Sharpr-MPRA regulatory region 5730; plus strand). Cytogenetic location: 1p31.3.
Variant type: single nucleotide variant.
Coding change: c.2124A>C on transcript NM_002303.6 (MANE Select); coding-DNA position 2124, A replaced by C.
Protein change: p.Gln708His; replaces glutamine 708 with histidine.
Molecular consequence: missense variant.
Genome position (GRCh38, 1-based): chr1:65,616,136, A>C. VCF-style: chr1-65616136-A-C. GRCh37 (hg19) VCF-style: chr1-66081819-A-C.
Other names: c.2124A>C, p.Gln708His (NM_001003679.3, NM_001003680.3, NM_001198687.2 and 2 more transcripts); short protein forms Q708H.
Identifiers: ClinVar variation 2041056 (VCV002041056.4), dbSNP rs1205457536, ClinGen allele CA340677429.

ClinVar aggregate classification (germline): Uncertain significance (1 of 4 stars; one submission).

Allele frequency attached by ClinVar (database versions not stated): gnomAD exomes below 0.00001.

Submission:

Labcorp Genetics (formerly Invitae), Labcorp
Classification: Uncertain significance. Last evaluated: 2022-06-08. Review status: criteria provided, single submitter. Criteria: Invitae Variant Classification Sherloc (09022015). Collection method: clinical testing. Allele origin: germline.
Comment: In summary, the available evidence is currently insufficient to determine the role of this variant in disease. Therefore, it has been classified as a Variant of Uncertain Significance. Algorithms developed to predict the effect of missense changes on protein structure and function (SIFT, PolyPhen-2, Align-GVGD) all suggest that this variant is likely to be tolerated. This variant has not been reported in the literature in individuals affected with LEPR-related conditions. This variant is present in population databases (no rsID available, gnomAD 0.003%). This sequence change replaces glutamine, which is neutral and polar, with histidine, which is basic and polar, at codon 708 of the LEPR protein (p.Gln708His).